The following is an entry in ClinVar:

NM_022167.4(XYLT2):c.359G>A (p.Arg120His)

Gene: XYLT2 (xylosyltransferase 2; plus strand). Cytogenetic location: 17q21.33.
Variant type: single nucleotide variant.
Coding change: c.359G>A on transcript NM_022167.4 (MANE Select); coding-DNA position 359, G replaced by A.
Protein change: p.Arg120His; replaces arginine 120 with histidine.
Molecular consequence: missense variant.
Genome position (GRCh38, 1-based): chr17:50,353,853, G>A. VCF-style: chr17-50353853-G-A. GRCh37 (hg19) VCF-style: chr17-48431214-G-A.
Other names: short protein forms R120H.
Identifiers: ClinVar variation 773318 (VCV000773318.39), dbSNP rs145954495, ClinGen allele CA8646147.

ClinVar aggregate classification (germline): Benign/Likely benign. Review status: criteria provided, multiple submitters, no conflicts (2 of 4 stars). 6 submissions from 6 submitters: Benign (2); Likely benign (3). 1 of the submissions does not count toward it. Last evaluated 2026-09-01.

Conditions:
XYLT2-related disorder. Also called: XYLT2-related condition.
Osteogenesis imperfecta (OI). Identifiers: Orphanet 666, MedGen C0029434, MeSH D010013, MONDO:0019019.

Allele frequency attached by ClinVar (database versions not stated): 1000 Genomes Project 30x 0.00234; 1000 Genomes Project 0.00260; TOPMed 0.00497; gnomAD 0.00504 and 0.00528; gnomAD exomes 0.00534 and 0.00699; ESP Exome Variant Server 0.00672; ExAC 0.00875.
gnomAD v4.1: 10,770 of 1,605,142 alleles (0.67%); highest among the groups gnomAD compares: Non-Finnish European, 0.83%; 45 homozygotes.

Submissions (6):

CeGaT Center for Human Genetics Tuebingen
Classification: Likely benign. Last evaluated: 2026-09-01. Review status: criteria provided, single submitter. Criteria: CeGaT Center For Human Genetics Tuebingen Variant Classification Criteria Version 2. Collection method: clinical testing. Allele origin: germline. Affected: yes. Observed: 3 variant alleles.
Comment: XYLT2: BS2

Labcorp Genetics (formerly Invitae), Labcorp
Classification: Benign. Last evaluated: 2026-01-26. Review status: criteria provided, single submitter. Criteria: Invitae Variant Classification Sherloc (09022015). Collection method: clinical testing. Allele origin: germline.

Blueprint Genetics
Classification: Likely benign. Last evaluated: 2024-11-26. Review status: criteria provided, single submitter. Criteria: ACMG Guidelines, 2015. Collection method: clinical testing. Allele origin: germline.

Genome Diagnostics Laboratory, The Hospital for Sick Children
Classification: Likely benign for Osteogenesis imperfecta. Last evaluated: 2022-03-23. Review status: criteria provided, single submitter. Criteria: ACMG Guidelines, 2015. Collection method: clinical testing. Allele origin: germline.

Breakthrough Genomics
Classification: Benign. Review status: criteria provided, single submitter. Criteria: ACMG Guidelines, 2015. Collection method: not provided. Allele origin: germline. Inheritance: Autosomal recessive inheritance. Affected: yes.

PreventionGenetics, part of Exact Sciences
Classification: Benign for XYLT2-related condition. Last evaluated: 2019-05-15. Review status: no assertion criteria provided. Collection method: clinical testing. Allele origin: germline. Not counted in ClinVar's aggregate classification.
Comment: This variant is classified as benign based on ACMG/AMP sequence variant interpretation guidelines (Richards et al. 2015 PMID: 25741868, with internal and published modifications).